The following is an entry in ClinVar:

ClinVar aggregate classification (germline): Benign/Likely benign. Review status: criteria provided, multiple submitters, no conflicts (2 of 4 stars). 6 submissions from 6 submitters: Benign (2); Likely benign (2). 2 of the submissions do not count toward it. Last evaluated 2026-01-06.

Conditions:
Duane-radial ray syndrome (DRRS). Also called: DR SYNDROME; DUANE ANOMALY WITH RADIAL RAY ABNORMALITIES AND DEAFNESS; Duane-Radial Ray Syndrome (DRRS) / Okihiro Syndrome; ACRORENOOCULAR SYNDROME; Okihiro Syndrome; Duane-Radial Ray Syndrome/Okihiro Syndrome. Identifiers: Orphanet 93293, Orphanet 959, MedGen C1623209, MONDO:0011812, OMIM 607323. Disease mechanism: gain of function.

Submissions (6):

Labcorp Genetics (formerly Invitae), Labcorp
Classification: Benign for Duane-radial ray syndrome. Last evaluated: 2026-01-06. Review status: criteria provided, single submitter. Criteria: Invitae Variant Classification Sherloc (09022015). Collection method: clinical testing. Allele origin: germline.

Blueprint Genetics
Classification: Likely benign. Last evaluated: 2024-11-01. Review status: criteria provided, single submitter. Criteria: ACMG Guidelines, 2015. Collection method: clinical testing. Allele origin: germline.

GeneDx
Classification: Likely benign. Last evaluated: 2020-04-09. Review status: criteria provided, single submitter. Criteria: GeneDx Variant Classification Process June 2021. Collection method: clinical testing. Allele origin: germline. Affected: yes.
Comment: In-frame deletion of one amino acids in a non-repeat region; In silico analysis supports a deleterious effect on protein structure/function; Has not been previously published as pathogenic or benign to our knowledge

Eurofins Ntd Llc (ga)
Classification: Benign. Last evaluated: 2016-04-08. Review status: criteria provided, single submitter. Criteria: EGL Classification Definitions 2015. Collection method: clinical testing. Allele origin: germline. Observed: 1 variant allele, 1 heterozygote.

Clinical Genetics DNA and cytogenetics Diagnostics Lab, Erasmus MC, Erasmus Medical Center
Classification: Likely benign. Review status: no assertion criteria provided. Collection method: clinical testing. Allele origin: germline. Affected: yes. Study: VKGL Data-share Consensus. Not counted in ClinVar's aggregate classification.

Laboratory of Diagnostic Genome Analysis, Leiden University Medical Center (LUMC)
Classification: Likely benign. Review status: no assertion criteria provided. Collection method: clinical testing. Allele origin: germline. Affected: yes. Study: VKGL Data-share Consensus. Not counted in ClinVar's aggregate classification.

NM_020436.5(SALL4):c.2051ATG[2] (p.Asp686del)

Gene: SALL4 (spalt like transcription factor 4; minus strand). Cytogenetic location: 20q13.2.
Variant type: Microsatellite.
Coding change: c.2051ATG[2] on transcript NM_020436.5 (MANE Select); two copies in a row of the 3-base unit ATG starting at c.2051; the reference has three copies in a row; one copy, 3 bases deleted; also written c.2057_2059del.
Protein change: p.Asp686del; deletes aspartic acid 686.
Molecular consequence: inframe deletion. On other transcripts: intron variant (1).
Genome position (GRCh38, 1-based): chr20:51,790,424-51,790,426, CAT deleted on the plus strand (ATG on the coding strand, the reverse complement: SALL4 is on the minus strand); deleting any 3 consecutive bases within chr20:51,790,424-51,790,432 gives the same sequence; the position shown is the placement nearest the transcript's 3' end. VCF-style (leftmost placement, unchanged base first): chr20-51790423-ACAT-A. GRCh37 (hg19) VCF-style: chr20-50406962-ACAT-A.
Other names: c.1150+901ATG[2] (NM_001318031.2); c.2057_2059del (NM_020436.3); short protein forms D686del.
Identifiers: ClinVar variation 286503 (VCV000286503.19), dbSNP rs557068877, ClinGen allele CA9912179.
Genomic context (GRCh38, chr20:51,790,423, plus strand): 5'-TTGGAGGAGCTGCTGGGAGCCTCCTGGGAGCTGACTTCCTCTACATCGATGCTTTCGATG[ACAT>A]CATCATGGCAGATAGCGCCGGTGCTGCCGTTCTCACCCACGGTCATTGGCTCAGAACCCG-3'